The following is an entry in ClinVar:

NM_000262.3(NAGA):c.1142G>A (p.Arg381Gln)

Gene: NAGA (alpha-N-acetylgalactosaminidase; minus strand). Cytogenetic location: 22q13.2.
Variant type: single nucleotide variant.
Coding change: c.1142G>A on transcript NM_000262.3 (MANE Select); coding-DNA position 1142, G replaced by A.
Protein change: p.Arg381Gln; replaces arginine 381 with glutamine.
Molecular consequence: missense variant.
Genome position (GRCh38, 1-based): chr22:42,060,373, C>T on the plus strand (G>A on the coding strand, the complement: NAGA is on the minus strand). VCF-style: chr22-42060373-C-T. GRCh37 (hg19) VCF-style: chr22-42456377-C-T.
Other names: c.1142G>A, p.Arg381Gln (NM_001362848.1, NM_001362850.1); short protein forms R381Q.
Identifiers: ClinVar variation 566550 (VCV000566550.8), dbSNP rs144771084, ClinGen allele CA10263574.
Genomic context (GRCh38, chr22:42,060,373, plus strand): 5'-TACAGGTACCACATCACTACCCCTGAAGGGTTGATGATCACTGTGAAGTTGGTTTCATCT[C>T]GGAGGCCACTGATGATGTCACCTGAGTAGACGTCCTGGGCCTGCAGTGGGGAGGGACATC-3'
Protein context (NP_000253.1, residues 371-391): VYSGDIISGL[Arg381Gln]DETNFTVIIN

ClinVar aggregate classification (germline): Uncertain significance (1 of 4 stars; one submission).

Conditions:
Alpha-N-acetylgalactosaminidase deficiency type 1. Also called: SCHINDLER DISEASE, TYPE I; ALPHA-N-ACETYLGALACTOSAMINIDASE DEFICIENCY, TYPE I; NAGA DEFICIENCY, TYPE I; NEUROAXONAL DYSTROPHY, SCHINDLER TYPE. Identifiers: Orphanet 3137, Orphanet 79279, Orphanet 79281, MedGen C1836544, MONDO:0012221, OMIM 609241.

Allele frequency attached by ClinVar (database versions not stated): TOPMed below 0.00001; ExAC 0.00001; gnomAD 0.00001; gnomAD exomes 0.00001; ESP Exome Variant Server 0.00008.

Submission:

Labcorp Genetics (formerly Invitae), Labcorp
Classification: Uncertain significance for Alpha-N-acetylgalactosaminidase deficiency type 1. Last evaluated: 2019-10-04. Review status: criteria provided, single submitter. Criteria: Invitae Variant Classification Sherloc (09022015). Collection method: clinical testing. Allele origin: germline.
Comment: This variant is present in population databases (rs144771084, ExAC 0.01%). This sequence change replaces arginine with glutamine at codon 381 of the NAGA protein (p.Arg381Gln). The arginine residue is weakly conserved and there is a small physicochemical difference between arginine and glutamine. This variant has not been reported in the literature in individuals with NAGA-related disease. In summary, the available evidence is currently insufficient to determine the role of this variant in disease. Therefore, it has been classified as a Variant of Uncertain Significance. Algorithms developed to predict the effect of missense changes on protein structure and function output the following: SIFT: "Tolerated"; PolyPhen-2: "Benign"; Align-GVGD: "Class C0". The glutamine amino acid residue is found in multiple mammalian species, suggesting that this missense change does not adversely affect protein function. These predictions have not been confirmed by published functional studies and their clinical significance is uncertain.